The following is an entry in ClinVar:

ClinVar aggregate classification (germline): Pathogenic (1 of 4 stars; one submission).

Conditions:
Duchenne muscular dystrophy (DMD). Also called: MUSCULAR DYSTROPHY, PSEUDOHYPERTROPHIC PROGRESSIVE, DUCHENNE TYPE; Duchenne Muscular Dystrophy (DMD). Identifiers: Orphanet 98896, MedGen C0013264, MONDO:0010679, OMIM 310200.

Submission:

Labcorp Genetics (formerly Invitae), Labcorp
Classification: Pathogenic for Duchenne muscular dystrophy. Last evaluated: 2023-12-22. Review status: criteria provided, single submitter. Criteria: Invitae Variant Classification Sherloc (09022015). Collection method: clinical testing. Allele origin: unknown.
Comment: This variant is a gross deletion of the genomic region encompassing exon(s) 45-55 of the DMD gene. This variant would be expected to be in-frame, preserving the integrity of the reading frame. A similar copy number variant has been observed in individuals with dilated cardiomyopathy and Duchenne or Becker muscular dystrophy (PMID: 11257468, 16030524, 18261911, 18752307, 20683981, 22090376, 26911353). For these reasons, this variant has been classified as Pathogenic.

Literature cited by the submitters: PubMed 11257468; PubMed 16030524; PubMed 18261911; PubMed 18752307; PubMed 20683981; PubMed 22090376; PubMed 26911353.

NC_000023.10:g.(?_31613687)_(31986651_?)del

Gene: DMD (dystrophin; minus strand). Cytogenetic location: Xp21.1.
Variant type: Deletion.
Identifiers: ClinVar variation 3248192 (VCV003248192.1).